The following is an entry in ClinVar:

NM_001453.3(FOXC1):c.1091C>G (p.Pro364Arg)

Gene: FOXC1 (forkhead box C1; plus strand). Cytogenetic location: 6p25.3.
Variant type: single nucleotide variant.
Coding change: c.1091C>G on transcript NM_001453.3 (MANE Select); coding-DNA position 1091, C replaced by G.
Protein change: p.Pro364Arg; replaces proline 364 with arginine.
Molecular consequence: missense variant.
Genome position (GRCh38, 1-based): chr6:1,611,536, C>G. VCF-style: chr6-1611536-C-G. GRCh37 (hg19) VCF-style: chr6-1611771-C-G.
Other names: short protein forms P364R.
Identifiers: ClinVar variation 1304064 (VCV001304064.2), dbSNP rs755490120, ClinGen allele CA362560194.

ClinVar aggregate classification (germline): Uncertain significance (1 of 4 stars; one submission).

Submission:

GeneDx
Classification: Uncertain significance. Last evaluated: 2019-10-14. Review status: criteria provided, single submitter. Criteria: GeneDx Variant Classification Process June 2021. Collection method: clinical testing. Allele origin: germline. Affected: yes.
Comment: Not observed in large population cohorts (Lek et al., 2016); In silico analysis, which includes protein predictors and evolutionary conservation, supports a deleterious effect; Has not been previously published as pathogenic or benign to our knowledge